The following is an entry in ClinVar:

ClinVar aggregate classification (germline): Benign. Review status: criteria provided, multiple submitters, no conflicts (2 of 4 stars). 4 submissions from 4 submitters: Benign (4). Last evaluated 2021-07-14.

Conditions:
Timothy syndrome (TS). Also called: LONG QT SYNDROME WITH SYNDACTYLY. Identifiers: Orphanet 65283, MedGen C1832916, MeSH C536962, MONDO:0010979, OMIM 601005.
Long QT syndrome (LQTS). Identifiers: MedGen C0023976, MeSH D008133, MONDO:0002442. Disease mechanism: loss of function. Inheritance: Various modes of inheritance.

Allele frequency attached by ClinVar (database versions not stated): 1000 Genomes Project 30x 0.66646; 1000 Genomes Project 0.66653; TOPMed 0.69345; gnomAD 0.70345 and 0.70704; gnomAD exomes 0.78190.
gnomAD v4.1: 826,673 of 1,073,460 alleles (77%); highest among the groups gnomAD compares: Admixed American, 85%; 322,910 homozygotes.

Submissions (4):

Genome-Nilou Lab
Classification: Benign for Timothy syndrome. Last evaluated: 2021-07-14. Review status: criteria provided, single submitter. Criteria: ACMG Guidelines, 2015. Collection method: clinical testing. Allele origin: germline. Affected: no.

Labcorp Genetics (formerly Invitae), Labcorp
Classification: Benign for Long QT syndrome. Last evaluated: 2019-12-31. Review status: criteria provided, single submitter. Criteria: Invitae Variant Classification Sherloc (09022015). Collection method: clinical testing. Allele origin: germline.

GeneDx
Classification: Benign. Last evaluated: 2018-06-14. Review status: criteria provided, single submitter. Criteria: GeneDx Variant Classification (06012015). Collection method: clinical testing. Allele origin: germline. Affected: yes.
Comment: This variant is considered likely benign or benign based on one or more of the following criteria: it is a conservative change, it occurs at a poorly conserved position in the protein, it is predicted to be benign by multiple in silico algorithms, and/or has population frequency not consistent with disease.

Breakthrough Genomics
Classification: Benign. Review status: criteria provided, single submitter. Criteria: ACMG Guidelines, 2015. Collection method: not provided. Allele origin: germline. Inheritance: Autosomal dominant inheritance. Affected: yes.

NM_000719.7(CACNA1C):c.3945+96T>C

Gene: CACNA1C (calcium voltage-gated channel subunit alpha1 C; plus strand). Cytogenetic location: 12p13.33.
Variant type: single nucleotide variant.
Coding change: c.3945+96T>C on transcript NM_000719.7 (MANE Select); 96 bases into the intron after coding-DNA position 3945, T replaced by C.
Molecular consequence: intron variant.
Genome position (GRCh38, 1-based): chr12:2,648,603, T>C. VCF-style: chr12-2648603-T-C. GRCh37 (hg19) VCF-style: chr12-2757769-T-C.
Other names: c.3945+96T>C (NM_001167624.3, NM_001167623.2, NM_001129840.2 and 8 more transcripts); c.3913-3037T>C (NM_001167625.2, NM_001129837.2, NM_001129838.2 and 1 more transcripts); c.4089+96T>C (NM_199460.4, NM_001129827.2); c.4005+96T>C (NM_001129832.2); c.4029+96T>C (NM_001129831.2); c.3907-3037T>C (NM_001129839.2); c.3997-3037T>C (NM_001129836.2); c.3936+96T>C (NM_001129844.2).
Identifiers: ClinVar variation 671807 (VCV000671807.9), dbSNP rs2239128, ClinGen allele CA13611118.